The following is an entry in ClinVar:

ClinVar aggregate classification (germline): Likely benign. Review status: criteria provided, multiple submitters, no conflicts (2 of 4 stars). 5 submissions from 5 submitters: Likely benign (5). Last evaluated 2025-12-13.

Conditions:
Cardiovascular phenotype. Identifiers: MedGen CN230736.
Cardiomyopathy (CMYO). Also called: Cardiomyopathies. Identifiers: Orphanet 167848, MedGen C0878544, MONDO:0004994, HP:0001638. Inheritance: Various modes of inheritance.
Arrhythmogenic right ventricular cardiomyopathy (ARVD). Also called: Arrhythmogenic right ventricular dysplasia; Arrhythmogenic cardiomyopathy; Arrhythmogenic Right Ventricular Cardiomyopathy (ARVC); Cardiomyopathy, ARVC. Identifiers: Orphanet 247, MedGen C0349788, MeSH D019571, MONDO:0016587. Disease mechanism: loss of function. Inheritance: Various modes of inheritance.
Arrhythmogenic right ventricular dysplasia 10. Also called: Arrhythmogenic Right Ventricular Dysplasia/Cardiomyopathy10; ARRHYTHMOGENIC RIGHT VENTRICULAR DYSPLASIA, FAMILIAL, 10; Arrhythmogenic right ventricular dysplasia/cardiomyopathy, type 10. Identifiers: MedGen C1857777, MONDO:0012434, OMIM 610193.

Allele frequency attached by ClinVar (database versions not stated): ExAC 0.00002; gnomAD exomes 0.00003 and 0.00004; gnomAD 0.00004; TOPMed 0.00004.
gnomAD v4.1: 58 of 1,613,960 alleles (0.0036%); highest among the groups gnomAD compares: East Asian, 0.0089%; no homozygotes.

Submissions (5):

Labcorp Genetics (formerly Invitae), Labcorp
Classification: Likely benign for Arrhythmogenic right ventricular dysplasia 10. Last evaluated: 2025-12-13. Review status: criteria provided, single submitter. Criteria: Invitae Variant Classification Sherloc (09022015). Collection method: clinical testing. Allele origin: germline.

All of Us Research Program, National Institutes of Health
Classification: Likely benign for Arrhythmogenic right ventricular cardiomyopathy. Last evaluated: 2024-02-05. Review status: criteria provided, single submitter. Criteria: ACMG Guidelines, 2015. Collection method: clinical testing. Allele origin: germline. Inheritance: Autosomal dominant inheritance. Observed: 6 variant alleles, 6 heterozygotes.
Comment: This study involves interpretation of variants in research participants for the purpose of population health screening. Participant phenotype was not available at the time of variant classification. Additional details can be found in publication PMID: 35346344, PMCID: PMC8962531

Blueprint Genetics
Classification: Likely benign. Last evaluated: 2022-08-10. Review status: criteria provided, single submitter. Criteria: ACMG Guidelines, 2015. Collection method: clinical testing. Allele origin: germline.

Color Diagnostics, LLC DBA Color Health
Classification: Likely benign for Cardiomyopathy. Last evaluated: 2018-10-22. Review status: criteria provided, single submitter. Criteria: ACMG Guidelines, 2015. Collection method: clinical testing. Allele origin: germline.

Ambry Genetics
Classification: Likely benign for Cardiovascular phenotype. Last evaluated: 2017-08-04. Review status: criteria provided, single submitter. Criteria: Ambry Variant Classification Scheme 2023. Collection method: clinical testing. Allele origin: germline.

NM_001943.5(DSG2):c.873G>A (p.Thr291=)

Gene: DSG2 (desmoglein 2; plus strand). Cytogenetic location: 18q12.1.
Variant type: single nucleotide variant.
Coding change: c.873G>A on transcript NM_001943.5 (MANE Select); coding-DNA position 873, G replaced by A.
Protein change: p.Thr291=; no amino-acid change (threonine 291 retained).
Molecular consequence: synonymous variant.
Genome position (GRCh38, 1-based): chr18:31,524,747, G>A. VCF-style: chr18-31524747-G-A. GRCh37 (hg19) VCF-style: chr18-29104710-G-A.
Other names: c.873G>A (LRG_397t1).
Identifiers: ClinVar variation 263760 (VCV000263760.19), dbSNP rs760706353, ClinGen allele CA050346.